The following is an entry in ClinVar:

NM_007327.4(GRIN1):c.1975C>T (p.Arg659Trp)

Gene: GRIN1 (glutamate ionotropic receptor NMDA type subunit 1; plus strand). Cytogenetic location: 9q34.3.
Variant type: single nucleotide variant.
Coding change: c.1975C>T on transcript NM_007327.4 (MANE Select); coding-DNA position 1975, C replaced by T.
Protein change: p.Arg659Trp; replaces arginine 659 with tryptophan.
Molecular consequence: missense variant.
Genome position (GRCh38, 1-based): chr9:137,162,701, C>T. VCF-style: chr9-137162701-C-T. GRCh37 (hg19) VCF-style: chr9-140057153-C-T.
Other names: c.1975C>T, p.Arg659Trp (NM_000832.7, NM_021569.4); c.2038C>T, p.Arg680Trp (NM_001185090.2, NM_001185091.2); short protein forms R659W, R680W.
Identifiers: ClinVar variation 425473 (VCV000425473.49), dbSNP rs1064797355, ClinGen allele CA16621877.

ClinVar aggregate classification (germline): Pathogenic. Review status: criteria provided, multiple submitters, no conflicts (2 of 4 stars). 3 submissions from 3 submitters: Pathogenic (3). Last evaluated 2025-10-20.

Conditions:
Neurodevelopmental disorder with or without hyperkinetic movements and seizures, autosomal dominant. Also called: Intellectual disability, autosomal dominant 8. Identifiers: MedGen C3280282, MONDO:0013655, OMIM 614254.

Submissions (3):

Labcorp Genetics (formerly Invitae), Labcorp
Classification: Pathogenic for Neurodevelopmental disorder with or without hyperkinetic movements and seizures, autosomal dominant. Last evaluated: 2025-10-20. Review status: criteria provided, single submitter. Criteria: Invitae Variant Classification Sherloc (09022015). Collection method: clinical testing. Allele origin: germline.
Comment: This sequence change replaces arginine, which is basic and polar, with tryptophan, which is neutral and slightly polar, at codon 659 of the GRIN1 protein (p.Arg659Trp). This variant is not present in population databases (gnomAD no frequency). This missense change has been observed in individual(s) with autosomal dominant GRIN1-related conditions (PMID: 29365063). In at least one individual the variant was observed to be de novo. ClinVar contains an entry for this variant (Variation ID: 425473). Invitae Evidence Modeling of protein sequence and biophysical properties (such as structural, functional, and spatial information, amino acid conservation, physicochemical variation, residue mobility, and thermodynamic stability) indicates that this missense variant is expected to disrupt GRIN1 protein function with a positive predictive value of 95%. Experimental studies have shown that this missense change affects GRIN1 function (PMID: 29365063). For these reasons, this variant has been classified as Pathogenic.

GeneDx
Classification: Pathogenic. Last evaluated: 2021-05-12. Review status: criteria provided, single submitter. Criteria: GeneDx Variant Classification Process June 2021. Collection method: clinical testing. Allele origin: germline. Affected: yes.
Comment: Published functional studies demonstrate altered NMDA receptor function (Fry et al., 2018); In silico analysis, which includes protein predictors and evolutionary conservation, supports a deleterious effect; This variant is associated with the following publications: (PMID: 29365063)

CeGaT Center for Human Genetics Tuebingen
Classification: Pathogenic. Last evaluated: 2019-11-01. Review status: criteria provided, single submitter. Criteria: CeGaT Center For Human Genetics Tuebingen Variant Classification Criteria Version 2. Collection method: clinical testing. Allele origin: germline. Affected: yes. Observed: 3 variant alleles.

Literature cited by the submitters: PubMed 29365063 (cited by Labcorp Genetics (formerly Invitae), Labcorp).